The following is an entry in ClinVar:

NM_003321.5(TUFM):c.304C>T (p.Pro102Ser)

Gene: TUFM (Tu translation elongation factor, mitochondrial; minus strand). Cytogenetic location: 16p11.2.
Variant type: single nucleotide variant.
Coding change: c.304C>T on transcript NM_003321.5 (MANE Select); coding-DNA position 304, C replaced by T.
Protein change: p.Pro102Ser; replaces proline 102 with serine.
Molecular consequence: missense variant.
Genome position (GRCh38, 1-based): chr16:28,845,424, G>A on the plus strand (C>T on the coding strand, the complement: TUFM is on the minus strand). VCF-style: chr16-28845424-G-A. GRCh37 (hg19) VCF-style: chr16-28856745-G-A.
Other names: c.304C>T, p.Pro102Ser (NM_001365360.2); short protein forms P102S.
Identifiers: ClinVar variation 2013344 (VCV002013344.4), dbSNP rs2544832072, ClinGen allele CA395418614.

ClinVar aggregate classification (germline): Uncertain significance (1 of 4 stars; one submission).

Submission:

Labcorp Genetics (formerly Invitae), Labcorp
Classification: Uncertain significance. Last evaluated: 2022-10-13. Review status: criteria provided, single submitter. Criteria: Invitae Variant Classification Sherloc (09022015). Collection method: clinical testing. Allele origin: germline.
Comment: This variant is not present in population databases (gnomAD no frequency). In summary, the available evidence is currently insufficient to determine the role of this variant in disease. Therefore, it has been classified as a Variant of Uncertain Significance. Advanced modeling of protein sequence and biophysical properties (such as structural, functional, and spatial information, amino acid conservation, physicochemical variation, residue mobility, and thermodynamic stability) has been performed at Invitae for this missense variant, however the output from this modeling did not meet the statistical confidence thresholds required to predict the impact of this variant on TUFM protein function. This variant has not been reported in the literature in individuals affected with TUFM-related conditions. This sequence change replaces proline, which is neutral and non-polar, with serine, which is neutral and polar, at codon 102 of the TUFM protein (p.Pro102Ser).